The following is an entry in ClinVar:

ClinVar aggregate classification (germline): Uncertain significance (0 of 4 stars; one submission).

Conditions:
KMT2A-related disorder. Also called: KMT2A-related condition.

gnomAD v4.1: 1 of 1,611,836 alleles (0.000062%); highest among the groups gnomAD compares: South Asian, 0.0011%; no homozygotes.

Submission:

PreventionGenetics, part of Exact Sciences
Classification: Uncertain significance for KMT2A-related condition. Last evaluated: 2024-09-18. Review status: no assertion criteria provided. Collection method: clinical testing. Allele origin: germline.
Comment: The KMT2A c.1436C>G variant is predicted to result in the amino acid substitution p.Ser479Cys. To our knowledge, this variant has not been reported in the literature or in a large population database, indicating this variant is rare. At this time, the clinical significance of this variant is uncertain due to the absence of conclusive functional and genetic evidence.

NM_001197104.2(KMT2A):c.1436C>G (p.Ser479Cys)

Gene: KMT2A (lysine methyltransferase 2A; plus strand). Cytogenetic location: 11q23.3.
Variant type: single nucleotide variant.
Coding change: c.1436C>G on transcript NM_001197104.2 (MANE Select); coding-DNA position 1436, C replaced by G.
Protein change: p.Ser479Cys; replaces serine 479 with cysteine.
Molecular consequence: missense variant.
Genome position (GRCh38, 1-based): chr11:118,472,595, C>G. VCF-style: chr11-118472595-C-G. GRCh37 (hg19) VCF-style: chr11-118343310-C-G.
Other names: c.1535C>G, p.Ser512Cys (NM_001412597.1); c.1436C>G, p.Ser479Cys (NM_005933.4); short protein forms S479C, S512C.
Identifiers: ClinVar variation 3354314 (VCV003354314.1).